The following is an entry in ClinVar:

NM_000017.4(ACADS):c.1139G>A (p.Arg380Gln)

Gene: ACADS (acyl-CoA dehydrogenase short chain; plus strand). Cytogenetic location: 12q24.31.
Variant type: single nucleotide variant.
Coding change: c.1139G>A on transcript NM_000017.4 (MANE Select); coding-DNA position 1139, G replaced by A.
Protein change: p.Arg380Gln; replaces arginine 380 with glutamine.
Molecular consequence: missense variant.
Genome position (GRCh38, 1-based): chr12:120,739,348, G>A. VCF-style: chr12-120739348-G-A. GRCh37 (hg19) VCF-style: chr12-121177151-G-A.
Other names: c.1127G>A, p.Arg376Gln (NM_001302554.2); short protein forms R380Q, R376Q.
Identifiers: ClinVar variation 1525913 (VCV001525913.10), dbSNP rs368064268, ClinGen allele CA6831227.

ClinVar aggregate classification (germline): Likely pathogenic. Review status: criteria provided, multiple submitters, no conflicts (2 of 4 stars). 2 submissions from 2 submitters: Likely pathogenic (2). Last evaluated 2026-06-01.

Conditions:
Deficiency of butyryl-CoA dehydrogenase (ACADSD). Also called: SCAD Deficiency; SCAD DEFICIENCY, MILD; ACYL-CoA DEHYDROGENASE, SHORT-CHAIN, DEFICIENCY OF; ACADS DEFICIENCY; Short-Chain Acyl-CoA Dehydrogenase Deficiency; SCADH DEFICIENCY. Identifiers: Orphanet 26792, MedGen C0342783, MONDO:0008722, OMIM 201470. Disease mechanism: May be benign.

Allele frequency attached by ClinVar (database versions not stated): ExAC 0.00001; gnomAD exomes 0.00001; gnomAD 0.00003; TOPMed 0.00003; ESP Exome Variant Server 0.00015.
gnomAD v4.1: 7 of 1,612,940 alleles (0.00043%); highest among the groups gnomAD compares: South Asian, 0.0033%; no homozygotes.

Submissions (2):

CeGaT Center for Human Genetics Tuebingen
Classification: Likely pathogenic. Last evaluated: 2026-06-01. Review status: criteria provided, single submitter. Criteria: CeGaT Center For Human Genetics Tuebingen Variant Classification Criteria Version 2. Collection method: clinical testing. Allele origin: germline. Affected: yes. Observed: 1 variant allele.
Comment: ACADS: PM2, PM5, PM3:Supporting, PP3, PP4

Labcorp Genetics (formerly Invitae), Labcorp
Classification: Likely pathogenic for Deficiency of butyryl-CoA dehydrogenase. Last evaluated: 2021-01-12. Review status: criteria provided, single submitter. Criteria: Invitae Variant Classification Sherloc (09022015). Collection method: clinical testing. Allele origin: germline.
Comment: This variant is present in population databases (rs368064268, ExAC 0.01%). In summary, the currently available evidence indicates that the variant is pathogenic, but additional data are needed to prove that conclusively. Therefore, this variant has been classified as Likely Pathogenic. This variant disrupts the p.Arg380 amino acid residue in ACADS. Other variant(s) that disrupt this residue have been determined to be pathogenic (PMID: 11134486, 16906473, 22424739, 14595061). This suggests that this residue is clinically significant, and that variants that disrupt this residue are likely to be disease-causing. Advanced modeling of protein sequence and biophysical properties (such as structural, functional, and spatial information, amino acid conservation, physicochemical variation, residue mobility, and thermodynamic stability) performed at Invitae indicates that this missense variant is expected to disrupt ACADS protein function. This variant has not been reported in the literature in individuals with ACADS-related conditions. This sequence change replaces arginine with glutamine at codon 380 of the ACADS protein (p.Arg380Gln). The arginine residue is highly conserved and there is a small physicochemical difference between arginine and glutamine.

Literature cited by the submitters: PubMed 11134486 (cited by Labcorp Genetics (formerly Invitae), Labcorp); PubMed 16906473 (cited by Labcorp Genetics (formerly Invitae), Labcorp); PubMed 22424739 (cited by Labcorp Genetics (formerly Invitae), Labcorp); PubMed 14595061 (cited by Labcorp Genetics (formerly Invitae), Labcorp).